The following is an entry in ClinVar:

ClinVar aggregate classification (germline): Uncertain significance (1 of 4 stars; one submission).

Conditions:
Ectodermal dysplasia 10A, hypohidrotic/hair/nail type, autosomal dominant (ECTD10A). Also called: Ectodermal Dysplasia 3, Anhidrotic. Identifiers: Orphanet 1810, Orphanet 238468, MedGen C3888065, MONDO:0007509, OMIM 129490.
Autosomal recessive hypohidrotic ectodermal dysplasia syndrome. Also called: Autosomal recessive hypohidrotic ectodermal dysplasia. Identifiers: Orphanet 248, MedGen C0406702, MONDO:0016619.

Submission:

Labcorp Genetics (formerly Invitae), Labcorp
Classification: Uncertain significance for Ectodermal dysplasia 10A, hypohidrotic/hair/nail type, autosomal dominant; Autosomal recessive hypohidrotic ectodermal dysplasia syndrome. Last evaluated: 2022-07-03. Review status: criteria provided, single submitter. Criteria: Invitae Variant Classification Sherloc (09022015). Collection method: clinical testing. Allele origin: germline.
Comment: Advanced modeling of protein sequence and biophysical properties (such as structural, functional, and spatial information, amino acid conservation, physicochemical variation, residue mobility, and thermodynamic stability) performed at Invitae indicates that this missense variant is expected to disrupt EDAR protein function. This sequence change replaces cysteine, which is neutral and slightly polar, with glycine, which is neutral and non-polar, at codon 87 of the EDAR protein (p.Cys87Gly). This variant is not present in population databases (gnomAD no frequency). This variant has not been reported in the literature in individuals affected with EDAR-related conditions. In summary, the available evidence is currently insufficient to determine the role of this variant in disease. Therefore, it has been classified as a Variant of Uncertain Significance.

NM_022336.4(EDAR):c.259T>G (p.Cys87Gly)

Genes: EDAR (ectodysplasin A receptor; minus strand), RANBP2 (RAN binding protein 2; plus strand). Cytogenetic location: 2q13.
Variant type: single nucleotide variant.
Coding change: c.259T>G on transcript NM_022336.4 (MANE Select); coding-DNA position 259, T replaced by G.
Protein change: p.Cys87Gly; replaces cysteine 87 with glycine.
Molecular consequence: missense variant.
Genome position (GRCh38, 1-based): chr2:108,929,295, A>C on the plus strand (T>G on the coding strand, the complement: EDAR is on the minus strand). VCF-style: chr2-108929295-A-C. GRCh37 (hg19) VCF-style: chr2-109545751-A-C.
Other names: short protein forms C87G.
Identifiers: ClinVar variation 2013774 (VCV002013774.4), dbSNP rs121908451, ClinGen allele CA348115741.